The following is an entry in ClinVar:

NM_017780.4(CHD7):c.2813G>C (p.Arg938Thr)

Gene: CHD7 (chromodomain helicase DNA binding protein 7; plus strand). Cytogenetic location: 8q12.2.
Variant type: single nucleotide variant.
Coding change: c.2813G>C on transcript NM_017780.4 (MANE Select); coding-DNA position 2813, G replaced by C.
Protein change: p.Arg938Thr; replaces arginine 938 with threonine.
Molecular consequence: missense variant. On other transcripts: intron variant (1).
Genome position (GRCh38, 1-based): chr8:60,821,905, G>C. VCF-style: chr8-60821905-G-C. GRCh37 (hg19) VCF-style: chr8-61734464-G-C.
Other names: c.1717-40324G>C (NM_001316690.1); short protein forms R938T.
Identifiers: ClinVar variation 589584 (VCV000589584.5), dbSNP rs763978472, ClinGen allele CA4759818.
Genomic context (GRCh38, chr8:60,821,905, plus strand): 5'-GGGAGCGGAGGCAGGACATAGATCAAGCAAAGATCGAGGAGTTTGAGAAACTAATGTCCA[G>C]GGAGCCGGAAACAGAGCGTGTGGTAAGAATTGGCTGATGGTAGAGAATTTAATTTGAAAA-3'
Protein context (NP_060250.2, residues 928-948): KIEEFEKLMS[Arg938Thr]EPETERVERP

ClinVar aggregate classification (germline): Uncertain significance (1 of 4 stars; one submission).

Conditions:
Inborn genetic diseases. Identifiers: MedGen C0950123, MeSH D030342.

Allele frequency attached by ClinVar (database versions not stated): ExAC 0.00001.
gnomAD v4.1: 1 of 1,612,764 alleles (0.000062%); highest among the groups gnomAD compares: Admixed American, 0.0017%; no homozygotes.

Submission:

Ambry Genetics
Classification: Uncertain significance for Inborn genetic diseases. Last evaluated: 2017-05-26. Review status: criteria provided, single submitter. Criteria: Ambry Variant Classification Scheme 2023. Collection method: clinical testing. Allele origin: germline.
Comment: The p.R938T variant (also known as c.2813G>C), located in coding exon 9 of the CHD7 gene, results from a G to C substitution at nucleotide position 2813. The arginine at codon 938 is replaced by threonine, an amino acid with similar properties. This amino acid position is well conserved in available vertebrate species. In addition, this alteration is predicted to be deleterious by in silico analysis. Since supporting evidence is limited at this time, the clinical significance of this alteration remains unclear.